The following is an entry in ClinVar:

ClinVar aggregate classification (germline): Uncertain significance (1 of 4 stars; one submission).

Conditions:
Bloom syndrome (BLM). Also called: Bloom-Torre-Machacek syndrome. Identifiers: Orphanet 125, MedGen C0005859, MONDO:0008876, OMIM 210900.

Submission:

Labcorp Genetics (formerly Invitae), Labcorp
Classification: Uncertain significance for Bloom syndrome. Last evaluated: 2023-09-10. Review status: criteria provided, single submitter. Criteria: Invitae Variant Classification Sherloc (09022015). Collection method: clinical testing. Allele origin: germline.
Comment: This sequence change replaces glutamine, which is neutral and polar, with glutamic acid, which is acidic and polar, at codon 1343 of the BLM protein (p.Gln1343Glu). This variant is not present in population databases (gnomAD no frequency). This variant has not been reported in the literature in individuals affected with BLM-related conditions. Advanced modeling of protein sequence and biophysical properties (such as structural, functional, and spatial information, amino acid conservation, physicochemical variation, residue mobility, and thermodynamic stability) performed at Invitae indicates that this missense variant is not expected to disrupt BLM protein function. In summary, the available evidence is currently insufficient to determine the role of this variant in disease. Therefore, it has been classified as a Variant of Uncertain Significance.

NM_000057.4(BLM):c.4027C>G (p.Gln1343Glu)

Gene: BLM (BLM RecQ like helicase; plus strand). Cytogenetic location: 15q26.1.
Variant type: single nucleotide variant.
Coding change: c.4027C>G on transcript NM_000057.4 (MANE Select); coding-DNA position 4027, C replaced by G.
Protein change: p.Gln1343Glu; replaces glutamine 1343 with glutamic acid.
Molecular consequence: missense variant.
Genome position (GRCh38, 1-based): chr15:90,811,357, C>G. VCF-style: chr15-90811357-C-G. GRCh37 (hg19) VCF-style: chr15-91354587-C-G.
Other names: c.4027C>G, p.Gln1343Glu (NM_001287246.2); c.3634C>G, p.Gln1212Glu (NM_001287247.2); c.2902C>G, p.Gln968Glu (NM_001287248.2); short protein forms Q1343E, Q1212E, Q968E.
Identifiers: ClinVar variation 2759672 (VCV002759672.3), dbSNP rs2151199939, ClinGen allele CA393851336.